The following is an entry in ClinVar:

ClinVar aggregate classification (germline): Uncertain significance (1 of 4 stars; one submission).

Conditions:
Mitochondrial DNA depletion syndrome 13. Also called: FBXL4-Related Encephalomyopathic Mitochondrial DNA Depletion Syndrome; Mitochondrial DNA depletion syndrome 13 (encephalomyopathic type). Identifiers: Orphanet 369897, MedGen C3809592, MONDO:0014198, OMIM 615471.

Allele frequency attached by ClinVar (database versions not stated): TOPMed below 0.00001; gnomAD exomes 0.00002 and 0.00004; ExAC 0.00003; gnomAD 0.00003.
gnomAD v4.1: 35 of 1,613,894 alleles (0.0022%); highest among the groups gnomAD compares: South Asian, 0.0033%; no homozygotes.

Submission:

Wong Mito Lab, Molecular and Human Genetics, Baylor College of Medicine
Classification: Uncertain significance for Mitochondrial DNA depletion syndrome 13. Last evaluated: 2017-08-10. Review status: criteria provided, single submitter. Criteria: ACMG Guidelines, 2015. Collection method: reference population. Allele origin: germline.
Comment: The NM_012160.4:c.1027C>T (NP_036292.2:p.Arg343Cys) [GRCH38: NC_000006.12:g.98905502G>A] variant in FBXL4 gene is interpretated to be a Uncertain Significance - Insufficient Evidence based on ACMG guidelines (PMID: 25741868). This variant meets one or more of the following evidence codes reported in the ACMG-guideline. PM2:This variant is absent in key population databases. PP3:Computational evidence/predictors indicate the variant has deleterious effect on FBXL4 structure, function, or protein-protein interaction. Based on this evidence code ClinGen Pathogenicity Calculator (PMID:28081714) suggested that the variant is Uncertain Significance - Insufficient Evidence.

NM_001278716.2(FBXL4):c.1027C>T (p.Arg343Cys)

Gene: FBXL4 (F-box and leucine rich repeat protein 4; minus strand). Cytogenetic location: 6q16.2.
Variant type: single nucleotide variant.
Coding change: c.1027C>T on transcript NM_001278716.2 (MANE Select); coding-DNA position 1027, C replaced by T.
Protein change: p.Arg343Cys; replaces arginine 343 with cysteine.
Molecular consequence: missense variant. On other transcripts: non-coding transcript variant (2).
Genome position (GRCh38, 1-based): chr6:98,905,502, G>A on the plus strand (C>T on the coding strand, the complement: FBXL4 is on the minus strand). VCF-style: chr6-98905502-G-A. GRCh37 (hg19) VCF-style: chr6-99353378-G-A.
Other names: c.1027C>T, p.Arg343Cys (NM_012160.5); short protein forms R343C.
Identifiers: ClinVar variation 437677 (VCV000437677.1), dbSNP rs754570800, ClinGen allele CA3933560.
Genomic context (GRCh38, chr6:98,905,502, plus strand): 5'-CAGAGATGAAGCCTCTATTGCCAGTCCAAGATAAATTAAGCCACTGGACAAGAGTGCAGC[G>A]AGACTGTAGAAATTCCAGAGAAGTGTCATCTAGTTTTGCCCAGTATGGTTGCAGATTGAG-3'
Protein context (NP_001265645.1, residues 333-353): DDTSLEFLQS[Arg343Cys]CTLVQWLNLS